The following is an entry in ClinVar:

NC_000012.12:g.21765761T>C

Genes: KCNJ8 (potassium inwardly rectifying channel subfamily J member 8; minus strand), KCNJ8-AS1 (KCNJ8 antisense RNA 1; plus strand). Cytogenetic location: 12p12.1.
Variant type: single nucleotide variant.
Genome position: GRCh38 VCF-style: chr12-21765761-T-C. GRCh37 (hg19) VCF-style: chr12-21918695-T-C.
Identifiers: ClinVar variation 2131934 (VCV002131934.4), dbSNP rs1198878252, ClinGen allele CA384120975.
Genomic context (GRCh38, chr12:21,765,761, plus strand): 5'-CTGTCTTGGGGTTATCTTGCTGTCATGATTCCGATGTGTTTTGATTTCCTTCTGGAGTCA[T>C]AAATTGCACCTTTGGTACCATGAGGGAAGAATTGTTCCTTCGGATAGAATTGTTCCTCCT-3'

ClinVar aggregate classification (germline): Uncertain significance (1 of 4 stars; one submission).

Conditions:
Brugada syndrome. Also called: Sudden Unexplained Death Syndrome; Sudden Unexplained Nocturnal Death Syndrome (SUNDS); Sudden unexpected nocturnal death syndrome; Sudden unexplained nocturnal death syndrome. Identifiers: Orphanet 130, MedGen C1142166, MONDO:0015263.

Allele frequency attached by ClinVar (database versions not stated): TOPMed below 0.00001.
gnomAD v4.1: 1 of 1,614,190 alleles (0.000062%); no homozygotes.

Submission:

Labcorp Genetics (formerly Invitae), Labcorp
Classification: Uncertain significance for Brugada syndrome. Last evaluated: 2022-05-02. Review status: criteria provided, single submitter. Criteria: Invitae Variant Classification Sherloc (09022015). Collection method: clinical testing. Allele origin: germline.
Comment: In summary, the available evidence is currently insufficient to determine the role of this variant in disease. Therefore, it has been classified as a Variant of Uncertain Significance. Advanced modeling of protein sequence and biophysical properties (such as structural, functional, and spatial information, amino acid conservation, physicochemical variation, residue mobility, and thermodynamic stability) performed at Invitae indicates that this missense variant is not expected to disrupt KCNJ8 protein function. This variant has not been reported in the literature in individuals affected with KCNJ8-related conditions. This variant is not present in population databases (gnomAD no frequency). This sequence change replaces methionine, which is neutral and non-polar, with valine, which is neutral and non-polar, at codon 413 of the KCNJ8 protein (p.Met413Val).